The following is an entry in ClinVar:

ClinVar aggregate classification (germline): Benign/Likely benign. Review status: criteria provided, multiple submitters, no conflicts (2 of 4 stars). 6 submissions from 6 submitters: Benign (1); Likely benign (3). 2 of the submissions do not count toward it. Last evaluated 2025-10-29.

Conditions:
ASPH-related disorder. Also called: ASPH-related condition.

Allele frequency attached by ClinVar (database versions not stated): 1000 Genomes Project 30x 0.00109; ExAC 0.00217; ESP Exome Variant Server 0.00037; TOPMed 0.00070; gnomAD 0.00078 and 0.00086; 1000 Genomes Project 0.00080; gnomAD exomes 0.00094.
gnomAD v4.1: 1,655 of 1,522,444 alleles (0.11%); highest among the groups gnomAD compares: South Asian, 0.28%; 7 homozygotes.

Submissions (6):

Labcorp Genetics (formerly Invitae), Labcorp
Classification: Benign. Last evaluated: 2025-10-29. Review status: criteria provided, single submitter. Criteria: Invitae Variant Classification Sherloc (09022015). Collection method: clinical testing. Allele origin: germline.

PreventionGenetics, part of Exact Sciences
Classification: Likely benign for ASPH-related condition. Last evaluated: 2025-07-31. Review status: criteria provided, single submitter. Criteria: ACMG Guidelines, 2015. Collection method: clinical testing. Allele origin: germline.
Comment: This variant is classified as likely benign based on ACMG/AMP sequence variant interpretation guidelines (Richards et al. 2015 PMID: 25741868, with internal and published modifications).

CeGaT Center for Human Genetics Tuebingen
Classification: Likely benign. Last evaluated: 2025-03-01. Review status: criteria provided, single submitter. Criteria: CeGaT Center For Human Genetics Tuebingen Variant Classification Criteria Version 2. Collection method: clinical testing. Allele origin: germline. Affected: yes. Observed: 1 variant allele.
Comment: ASPH: BP4, BP7

Blueprint Genetics
Classification: Likely benign. Last evaluated: 2024-11-19. Review status: criteria provided, single submitter. Criteria: ACMG Guidelines, 2015. Collection method: clinical testing. Allele origin: germline.

Clinical Genetics DNA and cytogenetics Diagnostics Lab, Erasmus MC, Erasmus Medical Center
Classification: Likely benign. Review status: no assertion criteria provided. Collection method: clinical testing. Allele origin: germline. Affected: yes. Study: VKGL Data-share Consensus. Not counted in ClinVar's aggregate classification.

Clinical Genetics, Academic Medical Center
Classification: Benign. Review status: no assertion criteria provided. Collection method: clinical testing. Allele origin: germline. Affected: yes. Study: VKGL Data-share Consensus. Not counted in ClinVar's aggregate classification.

NM_004318.4(ASPH):c.69G>T (p.Thr23=)

Genes: ASPH (aspartate beta-hydroxylase; minus strand), LOC130000490 (ATAC-STARR-seq lymphoblastoid silent region 19235; plus strand). Cytogenetic location: 8q12.3.
Variant type: single nucleotide variant.
Coding change: c.69G>T on transcript NM_004318.4 (MANE Select); coding-DNA position 69, G replaced by T.
Protein change: p.Thr23=; no amino-acid change (threonine 23 retained).
Molecular consequence: synonymous variant.
Genome position (GRCh38, 1-based): chr8:61,714,303, C>A on the plus strand (G>T on the coding strand, the complement: ASPH is on the minus strand). VCF-style: chr8-61714303-C-A. GRCh37 (hg19) VCF-style: chr8-62626862-C-A.
Other names: c.69G>T, p.Thr23= (NM_001164754.2, NM_001164755.2, NM_001164756.2 and 1 more transcripts).
Identifiers: ClinVar variation 710850 (VCV000710850.21), dbSNP rs370360525, ClinGen allele CA4762582.
Genomic context (GRCh38, chr8:61,714,303, plus strand): 5'-GATCCCCGCCCCGCAGGGCCTCTGACCTCTCCGGGCCCCGGGGCTGCTGCTGCCCGCACT[C>A]GTGCTACCGCTGCCGGAGCCGCTGCTGCTGCTGTTGCCGCTGCTCTTGGCATTCTTACGC-3'
Protein context (NP_004309.2, residues 13-33): SSSSGSGSGS[Thr23=]SAGSSSPGAR